The following is an entry in ClinVar:

ClinVar aggregate classification (germline): Likely pathogenic. Review status: criteria provided, multiple submitters, no conflicts (2 of 4 stars). 2 submissions from 2 submitters: Likely pathogenic (2). Last evaluated 2025-03-27.

Conditions:
Retinitis pigmentosa 26 (RP26). Identifiers: Orphanet 791, MedGen C1842127, MONDO:0012024, OMIM 608380.

Submissions (2):

Labcorp Genetics (formerly Invitae), Labcorp
Classification: Likely pathogenic. Last evaluated: 2025-03-27. Review status: criteria provided, single submitter. Criteria: Invitae Variant Classification Sherloc (09022015). Collection method: clinical testing. Allele origin: germline.
Comment: This sequence change affects an acceptor splice site in intron 12 of the CERKL gene. It is expected to disrupt RNA splicing. Variants that disrupt the donor or acceptor splice site typically lead to a loss of protein function (PMID: 16199547), and loss-of-function variants in CERKL are known to be pathogenic (PMID: 14681825, 23591405, 24043777). This variant is not present in population databases (gnomAD no frequency). This variant has not been reported in the literature in individuals affected with CERKL-related conditions. ClinVar contains an entry for this variant (Variation ID: 2680679). Algorithms developed to predict the effect of sequence changes on RNA splicing suggest that this variant may disrupt the consensus splice site. In summary, the currently available evidence indicates that the variant is pathogenic, but additional data are needed to prove that conclusively. Therefore, this variant has been classified as Likely Pathogenic.

Baylor Genetics
Classification: Likely pathogenic for Retinitis pigmentosa 26. Last evaluated: 2024-01-30. Review status: criteria provided, single submitter. Criteria: ACMG Guidelines, 2015. Collection method: clinical testing. Allele origin: unknown.

Literature cited by the submitters: PubMed 16199547 (cited by Labcorp Genetics (formerly Invitae), Labcorp); PubMed 14681825 (cited by Labcorp Genetics (formerly Invitae), Labcorp); PubMed 23591405 (cited by Labcorp Genetics (formerly Invitae), Labcorp); PubMed 24043777 (cited by Labcorp Genetics (formerly Invitae), Labcorp).

NM_201548.5(CERKL):c.1366-1G>T

Gene: CERKL (CERK like autophagy regulator; minus strand). Cytogenetic location: 2q31.3.
Variant type: single nucleotide variant.
Coding change: c.1366-1G>T on transcript NM_201548.5 (MANE Select); the canonical splice acceptor site of the intron before coding-DNA position 1366, G replaced by T.
Molecular consequence: splice acceptor variant.
Genome position (GRCh38, 1-based): chr2:181,539,265, C>A on the plus strand (G>T on the coding strand, the complement: CERKL is on the minus strand). VCF-style: chr2-181539265-C-A. GRCh37 (hg19) VCF-style: chr2-182403992-C-A.
Other names: c.1027-1G>T (NM_001030312.3); c.1312-1G>T (NM_001160277.2); c.1159-1G>T (NM_001030313.3); c.1444-1G>T (NM_001030311.3).
Identifiers: ClinVar variation 2680679 (VCV002680679.3), dbSNP rs1574426870, ClinGen allele CA349733510.